The following is an entry in ClinVar:

ClinVar aggregate classification (germline): Uncertain significance (1 of 4 stars; one submission).

Allele frequency attached by ClinVar (database versions not stated): gnomAD 0.00007; TOPMed 0.00007; ESP Exome Variant Server 0.00015; ExAC 0.00017; 1000 Genomes Project 0.00020; 1000 Genomes Project 30x 0.00031.
gnomAD v4.1: 255 of 1,612,710 alleles (0.016%); highest among the groups gnomAD compares: Non-Finnish European, 0.02%; no homozygotes.

Submission:

Ambry Genetics
Classification: Uncertain significance. Last evaluated: 2024-11-16. Review status: criteria provided, single submitter. Criteria: Ambry Variant Classification Scheme 2023. Collection method: clinical testing. Allele origin: germline.
Comment: The p.L728F variant (also known as c.2184A>C), located in coding exon 14 of the POLQ gene, results from an A to C substitution at nucleotide position 2184. The leucine at codon 728 is replaced by phenylalanine, an amino acid with highly similar properties. This amino acid position is conserved. In addition, the in silico prediction for this alteration is inconclusive. Since supporting evidence is limited at this time, the clinical significance of this alteration remains unclear.

NM_199420.4(POLQ):c.2184A>C (p.Leu728Phe)

Gene: POLQ (DNA polymerase theta; minus strand). Cytogenetic location: 3q13.33.
Variant type: single nucleotide variant.
Coding change: c.2184A>C on transcript NM_199420.4 (MANE Select); coding-DNA position 2184, A replaced by C.
Protein change: p.Leu728Phe; replaces leucine 728 with phenylalanine.
Molecular consequence: missense variant.
Genome position (GRCh38, 1-based): chr3:121,496,902, T>G on the plus strand (A>C on the coding strand, the complement: POLQ is on the minus strand). VCF-style: chr3-121496902-T-G. GRCh37 (hg19) VCF-style: chr3-121215749-T-G.
Other names: short protein forms L728F.
Identifiers: ClinVar variation 2449167 (VCV002449167.3), dbSNP rs144136432, ClinGen allele CA2563332.